The following is an entry in ClinVar:

ClinVar aggregate classification (germline): Uncertain significance (1 of 4 stars; one submission).

Conditions:
Hereditary cancer-predisposing syndrome. Also called: Neoplastic Syndromes, Hereditary; Tumor predisposition; Hereditary neoplastic syndrome; Hereditary Cancer Syndrome. Identifiers: Orphanet 140162, MedGen C0027672, MeSH D009386, MONDO:0015356.

Submission:

Ambry Genetics
Classification: Uncertain significance for Hereditary cancer-predisposing syndrome. Last evaluated: 2026-07-07. Review status: criteria provided, single submitter. Criteria: Ambry Variant Classification Scheme 2023. Collection method: clinical testing. Allele origin: germline.
Comment: The p.A299G variant (also known as c.896C>G), located in coding exon 6 of the NTHL1 gene, results from a C to G substitution at nucleotide position 896. The alanine at codon 299 is replaced by glycine, an amino acid with similar properties. This amino acid position is conserved. In addition, this alteration is predicted to be tolerated by in silico analysis. Based on the available evidence, the clinical significance of this variant remains unclear.

NM_002528.7(NTHL1):c.872C>G (p.Ala291Gly)

Gene: NTHL1 (nth like DNA glycosylase 1; minus strand). Cytogenetic location: 16p13.3.
Variant type: single nucleotide variant.
Coding change: c.872C>G on transcript NM_002528.7 (MANE Select); coding-DNA position 872, C replaced by G.
Protein change: p.Ala291Gly; replaces alanine 291 with glycine.
Molecular consequence: missense variant.
Genome position (GRCh38, 1-based): chr16:2,039,967, G>C on the plus strand (C>G on the coding strand, the complement: NTHL1 is on the minus strand). VCF-style: chr16-2039967-G-C. GRCh37 (hg19) VCF-style: chr16-2089968-G-C.
Other names: c.542C>G, p.Ala181Gly (NM_001318194.2); c.701C>G, p.Ala234Gly (NM_001318193.2); short protein forms A234G, A291G, A181G.
Identifiers: ClinVar variation 5025906 (VCV005025906.1).